The following is an entry in ClinVar:

NM_000152.5(GAA):c.1643T>C (p.Val548Ala)

Gene: GAA (alpha glucosidase; plus strand). Cytogenetic location: 17q25.3.
Variant type: single nucleotide variant.
Coding change: c.1643T>C on transcript NM_000152.5 (MANE Select); coding-DNA position 1643, T replaced by C.
Protein change: p.Val548Ala; replaces valine 548 with alanine.
Molecular consequence: missense variant.
Genome position (GRCh38, 1-based): chr17:80,111,989, T>C. VCF-style: chr17-80111989-T-C. GRCh37 (hg19) VCF-style: chr17-78085788-T-C.
Other names: c.1643T>C, p.Val548Ala (NM_001079803.3, NM_001079804.3); short protein forms V548A.
Identifiers: ClinVar variation 948594 (VCV000948594.11), dbSNP rs754686630, ClinGen allele CA401368749.

ClinVar aggregate classification (germline): Uncertain significance. Review status: criteria provided, multiple submitters, no conflicts (2 of 4 stars). 3 submissions from 3 submitters: Uncertain significance (2). 1 of the submissions does not count toward it. Last evaluated 2021-09-20.

Conditions:
Glycogen storage disease, type II (IOPD). Also called: Glycogen storage disease type 2; Acid maltase deficiency disease; Aglucosidase alfa; Deficiency of alpha-glucosidase; Deficiency of lysosomal alpha-glucosidase; ACID MALTASE DEFICIENCY, INFANTILE-ONSET. Identifiers: Orphanet 365, MedGen C0017921, MONDO:0009290, OMIM 232300.

Allele frequency attached by ClinVar (database versions not stated): gnomAD 0.00001.
gnomAD v4.1: 8 of 1,613,324 alleles (0.0005%); highest among the groups gnomAD compares: Non-Finnish European, 0.00068%; no homozygotes.

Submissions (3):

Fulgent Genetics
Classification: Uncertain significance for Glycogen storage disease, type II. Last evaluated: 2021-09-20. Review status: criteria provided, single submitter. Criteria: ACMG Guidelines, 2015. Collection method: clinical testing. Allele origin: unknown.

Labcorp Genetics (formerly Invitae), Labcorp
Classification: Uncertain significance for Glycogen storage disease, type II. Last evaluated: 2021-09-02. Review status: criteria provided, single submitter. Criteria: Invitae Variant Classification Sherloc (09022015). Collection method: clinical testing. Allele origin: germline.
Comment: This sequence change replaces valine with alanine at codon 548 of the GAA protein (p.Val548Ala). The valine residue is moderately conserved and there is a small physicochemical difference between valine and alanine. This variant is not present in population databases (ExAC no frequency). This variant has not been reported in the literature in individuals affected with GAA-related conditions. Algorithms developed to predict the effect of missense changes on protein structure and function output the following: SIFT: "Deleterious"; PolyPhen-2: "Benign"; Align-GVGD: "Class C0". The alanine amino acid residue is found in multiple mammalian species, which suggests that this missense change does not adversely affect protein function. In summary, the available evidence is currently insufficient to determine the role of this variant in disease. Therefore, it has been classified as a Variant of Uncertain Significance.

Natera, Inc.
Classification: Uncertain significance for Glycogen storage disease type II. Last evaluated: 2020-11-05. Review status: no assertion criteria provided. Collection method: clinical testing. Allele origin: germline. Not counted in ClinVar's aggregate classification.